The following is an entry in ClinVar:

NM_001349253.2(SCN11A):c.4801G>C (p.Ala1601Pro)

Gene: SCN11A (sodium voltage-gated channel alpha subunit 11; minus strand). Cytogenetic location: 3p22.2.
Variant type: single nucleotide variant.
Coding change: c.4801G>C on transcript NM_001349253.2 (MANE Select); coding-DNA position 4801, G replaced by C.
Protein change: p.Ala1601Pro; replaces alanine 1601 with proline.
Molecular consequence: missense variant.
Genome position (GRCh38, 1-based): chr3:38,847,269, C>G on the plus strand (G>C on the coding strand, the complement: SCN11A is on the minus strand). VCF-style: chr3-38847269-C-G. GRCh37 (hg19) VCF-style: chr3-38888760-C-G.
Other names: c.4801G>C, p.Ala1601Pro (NM_014139.3); short protein forms A1601P.
Identifiers: ClinVar variation 2945122 (VCV002945122.3), dbSNP rs2470965766, ClinGen allele CA352162393.
Genomic context (GRCh38, chr3:38,847,269, plus strand): 5'-CTTCACCCAAAGGGTCCTCACTTTCTTCAGTGGCTGTATTGAAGTTCTCTAAAATCACAG[C>G]AATGTACATGTTGACAACAATGAGAAAGGAGATGATAATGTAACTGACAAAGTAGGATGT-3'
Protein context (NP_001336182.1, residues 1591-1611): SFLIVVNMYI[Ala1601Pro]VILENFNTAT

ClinVar aggregate classification (germline): Uncertain significance (1 of 4 stars; one submission).

Conditions:
Familial episodic pain syndrome with predominantly lower limb involvement. Also called: Episodic pain syndrome, familial, 3. Identifiers: Orphanet 391384, Orphanet 391392, MedGen C3809899, MONDO:0014247, OMIM 615552.
Hereditary sensory and autonomic neuropathy type 7. Also called: Neuropathy, hereditary sensory and autonomic, type VII; HSAN VII. Identifiers: Orphanet 391397, MedGen C3809882, MONDO:0014244, OMIM 615548.

Submission:

Labcorp Genetics (formerly Invitae), Labcorp
Classification: Uncertain significance for Familial episodic pain syndrome with predominantly lower limb involvement; Hereditary sensory and autonomic neuropathy type 7. Last evaluated: 2023-03-24. Review status: criteria provided, single submitter. Criteria: Invitae Variant Classification Sherloc (09022015). Collection method: clinical testing. Allele origin: germline.
Comment: Advanced modeling of protein sequence and biophysical properties (such as structural, functional, and spatial information, amino acid conservation, physicochemical variation, residue mobility, and thermodynamic stability) performed at Invitae indicates that this missense variant is expected to disrupt SCN11A protein function. This sequence change replaces alanine, which is neutral and non-polar, with proline, which is neutral and non-polar, at codon 1601 of the SCN11A protein (p.Ala1601Pro). This variant is not present in population databases (gnomAD no frequency). This variant has not been reported in the literature in individuals affected with SCN11A-related conditions. In summary, the available evidence is currently insufficient to determine the role of this variant in disease. Therefore, it has been classified as a Variant of Uncertain Significance.